The following is an entry in ClinVar:

ClinVar aggregate classification (germline): Uncertain significance (1 of 4 stars; one submission).

Allele frequency attached by ClinVar (database versions not stated): gnomAD exomes below 0.00001; TOPMed 0.00001; ExAC 0.00002.
gnomAD v4.1: 7 of 1,614,210 alleles (0.00043%); highest among the groups gnomAD compares: Admixed American, 0.01%; no homozygotes.

Submission:

Labcorp Genetics (formerly Invitae), Labcorp
Classification: Uncertain significance. Last evaluated: 2023-11-14. Review status: criteria provided, single submitter. Criteria: Invitae Variant Classification Sherloc (09022015). Collection method: clinical testing. Allele origin: germline.
Comment: This sequence change replaces cysteine, which is neutral and slightly polar, with arginine, which is basic and polar, at codon 623 of the NIN protein (p.Cys623Arg). This variant is present in population databases (rs760650045, gnomAD 0.01%). This variant has not been reported in the literature in individuals affected with NIN-related conditions. An algorithm developed to predict the effect of missense changes on protein structure and function (PolyPhen-2) suggests that this variant is likely to be tolerated. In summary, the available evidence is currently insufficient to determine the role of this variant in disease. Therefore, it has been classified as a Variant of Uncertain Significance.

NM_020921.4(NIN):c.1867T>C (p.Cys623Arg)

Gene: NIN (ninein; minus strand). Cytogenetic location: 14q22.1.
Variant type: single nucleotide variant.
Coding change: c.1867T>C on transcript NM_020921.4 (MANE Select); coding-DNA position 1867, T replaced by C.
Protein change: p.Cys623Arg; replaces cysteine 623 with arginine.
Molecular consequence: missense variant.
Genome position (GRCh38, 1-based): chr14:50,761,819, A>G on the plus strand (T>C on the coding strand, the complement: NIN is on the minus strand). VCF-style: chr14-50761819-A-G. GRCh37 (hg19) VCF-style: chr14-51228537-A-G.
Other names: c.1867T>C, p.Cys623Arg (NM_016350.5, NM_182944.3, NM_182946.2); short protein forms C623R.
Identifiers: ClinVar variation 2987267 (VCV002987267.3), dbSNP rs760650045, ClinGen allele CA7182068.